The following is an entry in ClinVar:

ClinVar aggregate classification (germline): Likely benign. Review status: criteria provided, multiple submitters, no conflicts (2 of 4 stars). 2 submissions from 2 submitters: Likely benign (2). Last evaluated 2025-10-01.

Conditions:
Charcot-Marie-Tooth disease axonal type 2O. Also called: Charcot-Marie-Tooth disease, axonal, type 20; CHARCOT-MARIE-TOOTH NEUROPATHY, AXONAL, TYPE 2O; CHARCOT-MARIE-TOOTH DISEASE, AXONAL, AUTOSOMAL DOMINANT, TYPE 2O; Charcot-Marie-Tooth Neuropathy Type 2O. Identifiers: Orphanet 284232, MedGen C3280220, MONDO:0013644, OMIM 614228.

gnomAD v4.1: 37 of 1,613,922 alleles (0.0023%); highest among the groups gnomAD compares: Non-Finnish European, 0.001%; no homozygotes.

Submissions (2):

CeGaT Center for Human Genetics Tuebingen
Classification: Likely benign. Last evaluated: 2025-10-01. Review status: criteria provided, single submitter. Criteria: CeGaT Center For Human Genetics Tuebingen Variant Classification Criteria Version 2. Collection method: clinical testing. Allele origin: germline. Affected: yes. Observed: 1 variant allele.
Comment: DYNC1H1: BP4, BP7

Labcorp Genetics (formerly Invitae), Labcorp
Classification: Likely benign for Charcot-Marie-Tooth disease axonal type 2O. Last evaluated: 2023-03-13. Review status: criteria provided, single submitter. Criteria: Invitae Variant Classification Sherloc (09022015). Collection method: clinical testing. Allele origin: germline.

NM_001376.5(DYNC1H1):c.11409G>T (p.Pro3803=)

Gene: DYNC1H1 (dynein cytoplasmic 1 heavy chain 1; plus strand). Cytogenetic location: 14q32.31.
Variant type: single nucleotide variant.
Coding change: c.11409G>T on transcript NM_001376.5 (MANE Select); coding-DNA position 11409, G replaced by T.
Protein change: p.Pro3803=; no amino-acid change (proline 3803 retained).
Molecular consequence: synonymous variant.
Genome position (GRCh38, 1-based): chr14:102,039,203, G>T. VCF-style: chr14-102039203-G-T. GRCh37 (hg19) VCF-style: chr14-102505540-G-T.
Identifiers: ClinVar variation 2048682 (VCV002048682.10), dbSNP rs17512783, ClinGen allele CA7353584.
Genomic context (GRCh38, chr14:102,039,203, plus strand): 5'-AGTTGAGGAGACGGACATTGTCATGCAGGAGGTGGAGACCGTGTCCCAGCAGTACCTCCC[G>T]CTCTCCACCGCCTGCAGCAGCATCTACTTCACCATGGAGTCCCTCAAGCAGGTGGGTGCC-3'
Protein context (NP_001367.2, residues 3793-3813): EVETVSQQYL[Pro3803=]LSTACSSIYF